The following is an entry in ClinVar:

ClinVar aggregate classification (germline): Likely benign. Review status: criteria provided, multiple submitters, no conflicts (2 of 4 stars). 4 submissions from 4 submitters: Likely benign (4). Last evaluated 2026-02-16.

Conditions:
KIF1A-related disorder. Also called: KIF1A-related disorders; KIF1A-related condition.
Intellectual disability, autosomal dominant 9 (NESCAVS). Also called: KIF1A-Related Neurodevelopmental Disorder; NESCAV SYNDROME. Identifiers: Orphanet 662367, MedGen C5393830, MONDO:0013656, OMIM 614255.
Neuropathy, hereditary sensory, type 2C. Also called: KIF1A-Related HSAN2 (HSAN2C); Hereditary sensory and autonomic neuropathy type IIC. Identifiers: Orphanet 970, MedGen C3280168, MONDO:0013634, OMIM 614213.
Hereditary spastic paraplegia 30. Identifiers: Orphanet 101010, MedGen C5235139, MONDO:0012476.

Allele frequency attached by ClinVar (database versions not stated): ExAC 0.00004; gnomAD exomes 0.00004 and 0.00010; gnomAD 0.00006 and 0.00007; ESP Exome Variant Server 0.00008; TOPMed 0.00009.
gnomAD v4.1: 147 of 1,613,546 alleles (0.0091%); highest among the groups gnomAD compares: Middle Eastern, 0.016%; no homozygotes.

Submissions (4):

PreventionGenetics, part of Exact Sciences
Classification: Likely benign for KIF1A-related condition. Last evaluated: 2026-02-16. Review status: criteria provided, single submitter. Criteria: ACMG Guidelines, 2015. Collection method: clinical testing. Allele origin: germline.
Comment: This variant is classified as likely benign based on ACMG/AMP sequence variant interpretation guidelines (Richards et al. 2015 PMID: 25741868, with internal and published modifications).

Labcorp Genetics (formerly Invitae), Labcorp
Classification: Likely benign for Hereditary spastic paraplegia 30; Neuropathy, hereditary sensory, type 2C; Intellectual disability, autosomal dominant 9. Last evaluated: 2025-12-17. Review status: criteria provided, single submitter. Criteria: Invitae Variant Classification Sherloc (09022015). Collection method: clinical testing. Allele origin: germline.

GeneDx
Classification: Likely benign. Last evaluated: 2020-10-29. Review status: criteria provided, single submitter. Criteria: GeneDx Variant Classification Process June 2021. Collection method: clinical testing. Allele origin: germline. Affected: yes.

Athena Diagnostics
Classification: Likely benign. Last evaluated: 2020-03-31. Review status: criteria provided, single submitter. Criteria: Athena Diagnostics Criteria. Collection method: clinical testing. Allele origin: unknown.

NM_001244008.2(KIF1A):c.531C>T (p.Tyr177=)

Gene: KIF1A (kinesin family member 1A; minus strand). Cytogenetic location: 2q37.3.
Variant type: single nucleotide variant.
Coding change: c.531C>T on transcript NM_001244008.2 (MANE Select); coding-DNA position 531, C replaced by T.
Protein change: p.Tyr177=; no amino-acid change (tyrosine 177 retained).
Molecular consequence: synonymous variant.
Genome position (GRCh38, 1-based): chr2:240,786,412, G>A on the plus strand (C>T on the coding strand, the complement: KIF1A is on the minus strand). VCF-style: chr2-240786412-G-A. GRCh37 (hg19) VCF-style: chr2-241725829-G-A.
Other names: c.531C>T, p.Tyr177= (NM_001320705.2, NM_001330289.2, NM_001330290.2 and 20 more transcripts).
Identifiers: ClinVar variation 705569 (VCV000705569.15), dbSNP rs374244360, ClinGen allele CA2208752.